The following is an entry in ClinVar:

ClinVar aggregate classification (germline): Uncertain significance (1 of 4 stars; one submission).

Conditions:
Cardiovascular phenotype. Identifiers: MedGen CN230736.

gnomAD v4.1: 5 of 1,614,194 alleles (0.00031%); highest among the groups gnomAD compares: Non-Finnish European, 0.00042%; no homozygotes.

Submission:

Ambry Genetics
Classification: Uncertain significance for Cardiovascular phenotype. Last evaluated: 2025-07-06. Review status: criteria provided, single submitter. Criteria: Ambry Variant Classification Scheme 2023. Collection method: clinical testing. Allele origin: germline.
Comment: The p.I1325L variant (also known as c.3973A>C), located in coding exon 22 of the SCN10A gene, results from an A to C substitution at nucleotide position 3973. The isoleucine at codon 1325 is replaced by leucine, an amino acid with highly similar properties. This amino acid position is conserved. In addition, this alteration is predicted to be tolerated by in silico analysis. Based on the available evidence, the clinical significance of this variant remains unclear.

NM_006514.4(SCN10A):c.3973A>C (p.Ile1325Leu)

Gene: SCN10A (sodium voltage-gated channel alpha subunit 10; minus strand). Cytogenetic location: 3p22.2.
Variant type: single nucleotide variant.
Coding change: c.3973A>C on transcript NM_006514.4 (MANE Select); coding-DNA position 3973, A replaced by C.
Protein change: p.Ile1325Leu; replaces isoleucine 1325 with leucine.
Molecular consequence: missense variant.
Genome position (GRCh38, 1-based): chr3:38,712,277, T>G on the plus strand (A>C on the coding strand, the complement: SCN10A is on the minus strand). VCF-style: chr3-38712277-T-G. GRCh37 (hg19) VCF-style: chr3-38753768-T-G.
Other names: c.3970A>C, p.Ile1324Leu (NM_001293306.2); c.3679A>C, p.Ile1227Leu (NM_001293307.2); short protein forms I1324L, I1325L, I1227L.
Identifiers: ClinVar variation 4160543 (VCV004160543.1).
Genomic context (GRCh38, chr3:38,712,277, plus strand): 5'-TGACCCAGAAGAAGCTGCCAGTGGAGTTTTGAATCTTGCAGTCAGACTTGTTATTCACAA[T>G]CGACAAAGGTACAAGGGAAAACTCTCCATCGGTATAGTTGATGCACCTCCAAAACTTCCC-3'
Protein context (NP_006505.4, residues 1315-1335): DGEFSLVPLS[Ile1325Leu]VNNKSDCKIQ